The following is an entry in ClinVar:

NM_000639.3(FASLG):c.422A>G (p.Lys141Arg)

Gene: FASLG (Fas ligand; plus strand). Cytogenetic location: 1q24.3.
Variant type: single nucleotide variant.
Coding change: c.422A>G on transcript NM_000639.3 (MANE Select); coding-DNA position 422, A replaced by G.
Protein change: p.Lys141Arg; replaces lysine 141 with arginine.
Molecular consequence: missense variant.
Genome position (GRCh38, 1-based): chr1:172,664,361, A>G. VCF-style: chr1-172664361-A-G. GRCh37 (hg19) VCF-style: chr1-172633501-A-G.
Other names: c.376A>G, p.Arg126Gly (NM_001302746.2); short protein forms K141R, R126G.
Identifiers: ClinVar variation 3058845 (VCV003058845.2), dbSNP rs1394873281, ClinGen allele CA343805801.

ClinVar aggregate classification (germline): Uncertain significance (0 of 4 stars; one submission).

Conditions:
FASLG-related disorder. Also called: FASLG-related condition.

Allele frequency attached by ClinVar (database versions not stated): gnomAD exomes below 0.00001; TOPMed 0.00001.
gnomAD v4.1: 3 of 1,614,014 alleles (0.00019%); highest among the groups gnomAD compares: Non-Finnish European, 0.00025%; no homozygotes.

Submission:

PreventionGenetics, part of Exact Sciences
Classification: Uncertain significance for FASLG-related condition. Last evaluated: 2024-01-05. Review status: no assertion criteria provided. Collection method: clinical testing. Allele origin: germline.
Comment: The FASLG c.422A>G variant is predicted to result in the amino acid substitution p.Lys141Arg. To our knowledge, this variant has not been reported in the literature or in a large population database, indicating this variant is rare. At this time, the clinical significance of this variant is uncertain due to the absence of conclusive functional and genetic evidence.